The following is an entry in ClinVar:

ClinVar aggregate classification (germline): Uncertain significance. Review status: criteria provided, multiple submitters, no conflicts (2 of 4 stars). 2 submissions from 2 submitters: Uncertain significance (2). Last evaluated 2025-07-06.

Submissions (2):

Labcorp Genetics (formerly Invitae), Labcorp
Classification: Uncertain significance. Last evaluated: 2025-07-06. Review status: criteria provided, single submitter. Criteria: Invitae Variant Classification Sherloc (09022015). Collection method: clinical testing. Allele origin: germline.
Comment: This sequence change replaces phenylalanine, which is neutral and non-polar, with leucine, which is neutral and non-polar, at codon 331 of the SLC20A2 protein (p.Phe331Leu). This variant is not present in population databases (gnomAD no frequency). This variant has not been reported in the literature in individuals affected with SLC20A2-related conditions. ClinVar contains an entry for this variant (Variation ID: 3339200). Invitae Evidence Modeling of protein sequence and biophysical properties (such as structural, functional, and spatial information, amino acid conservation, physicochemical variation, residue mobility, and thermodynamic stability) indicates that this missense variant is not expected to disrupt SLC20A2 protein function with a negative predictive value of 95%. In summary, the available evidence is currently insufficient to determine the role of this variant in disease. Therefore, it has been classified as a Variant of Uncertain Significance.

Women's Health and Genetics/Laboratory Corporation of America, LabCorp
Classification: Uncertain significance. Last evaluated: 2024-07-02. Review status: criteria provided, single submitter. Criteria: LabCorp Variant Classification Summary - May 2015. Collection method: clinical testing. Allele origin: germline.
Comment: Variant summary: SLC20A2 c.993C>A (p.Phe331Leu) results in a non-conservative amino acid change in the encoded protein sequence. Three of five in-silico tools predict a benign effect of the variant on protein function. The variant was absent in 250142 control chromosomes. The available data on variant occurrences in the general population are insufficient to allow any conclusion about variant significance. To our knowledge, no occurrence of c.993C>A in individuals affected with Idiopathic Basal Ganglia Calcification 1 and no experimental evidence demonstrating its impact on protein function have been reported. No submitters have cited clinical-significance assessments for this variant to ClinVar. Based on the evidence outlined above, the variant was classified as uncertain significance.

NM_001257180.2(SLC20A2):c.993C>A (p.Phe331Leu)

Gene: SLC20A2 (solute carrier family 20 member 2; minus strand). Cytogenetic location: 8p11.21.
Variant type: single nucleotide variant.
Coding change: c.993C>A on transcript NM_001257180.2 (MANE Select); coding-DNA position 993, C replaced by A.
Protein change: p.Phe331Leu; replaces phenylalanine 331 with leucine.
Molecular consequence: missense variant.
Genome position (GRCh38, 1-based): chr8:42,437,519, G>T on the plus strand (C>A on the coding strand, the complement: SLC20A2 is on the minus strand). VCF-style: chr8-42437519-G-T. GRCh37 (hg19) VCF-style: chr8-42295037-G-T.
Other names: c.993C>A, p.Phe331Leu (NM_001257181.2, NM_006749.5); short protein forms F331L.
Identifiers: ClinVar variation 3339200 (VCV003339200.2).